The following is an entry in ClinVar:

ClinVar aggregate classification (germline): Likely benign (1 of 4 stars; one submission).

gnomAD v4.1: 51 of 152,204 alleles (0.034%); highest among the groups gnomAD compares: South Asian, 0.17%; no homozygotes.

Submission:

CeGaT Center for Human Genetics Tuebingen
Classification: Likely benign. Last evaluated: 2026-02-01. Review status: criteria provided, single submitter. Criteria: CeGaT Center For Human Genetics Tuebingen Variant Classification Criteria Version 2. Collection method: clinical testing. Allele origin: germline. Affected: yes. Observed: 1 variant allele.
Comment: CD247: BP4, BP7

NM_198053.3(CD247):c.300+183A>C

Gene: CD247 (CD247 molecule; minus strand). Cytogenetic location: 1q24.2.
Variant type: single nucleotide variant.
Coding change: c.300+183A>C on transcript NM_198053.3 (MANE Select); 183 bases into the intron after coding-DNA position 300, A replaced by C.
Molecular consequence: intron variant.
Genome position (GRCh38, 1-based): chr1:167,438,387, T>G on the plus strand (A>C on the coding strand, the complement: CD247 is on the minus strand). VCF-style: chr1-167438387-T-G. GRCh37 (hg19) VCF-style: chr1-167407624-T-G.
Other names: c.300+183A>C (NM_000734.4); c.393+183A>C (NM_001378516.1, NM_001378515.1).
Identifiers: ClinVar variation 4820995 (VCV004820995.4).